The following is an entry in ClinVar:

ClinVar aggregate classification (germline): Conflicting classifications of pathogenicity. Review status: criteria provided, conflicting classifications (1 of 4 stars). 2 submissions from 2 submitters: Uncertain significance (1); Likely benign (1). Last evaluated 2025-10-01.

Allele frequency attached by ClinVar (database versions not stated): gnomAD 0.00005; ExAC 0.00007; gnomAD exomes 0.00024.
gnomAD v4.1: 313 of 1,367,114 alleles (0.023%); highest among the groups gnomAD compares: Non-Finnish European, 0.028%; 76 homozygotes.

Submissions (2):

CeGaT Center for Human Genetics Tuebingen
Classification: Likely benign. Last evaluated: 2025-10-01. Review status: criteria provided, single submitter. Criteria: CeGaT Center For Human Genetics Tuebingen Variant Classification Criteria Version 2. Collection method: clinical testing. Allele origin: germline. Affected: yes. Observed: 1 variant allele.
Comment: UGT2B17: BS2

Ambry Genetics
Classification: Uncertain significance. Last evaluated: 2021-10-20. Review status: criteria provided, single submitter. Criteria: Ambry Variant Classification Scheme 2023. Collection method: clinical testing. Allele origin: germline.

NM_001077.4(UGT2B17):c.773T>C (p.Leu258Pro)

Gene: UGT2B17 (UDP glucuronosyltransferase family 2 member B17; minus strand). Cytogenetic location: 4q13.2.
Variant type: single nucleotide variant.
Coding change: c.773T>C on transcript NM_001077.4 (MANE Select); coding-DNA position 773, T replaced by C.
Protein change: p.Leu258Pro; replaces leucine 258 with proline.
Molecular consequence: missense variant.
Genome position (GRCh38, 1-based): chr4:68,565,672, A>G on the plus strand (T>C on the coding strand, the complement: UGT2B17 is on the minus strand). VCF-style: chr4-68565672-A-G. GRCh37 (hg19) VCF-style: chr4-69431390-A-G.
Other names: short protein forms L258P.
Identifiers: ClinVar variation 2379225 (VCV002379225.8), dbSNP rs753978859, ClinGen allele CA2942182.